The following is an entry in ClinVar:

NM_005340.7(HINT1):c.216+37T>C

Gene: HINT1 (histidine triad nucleotide binding protein 1; minus strand). Cytogenetic location: 5q23.3.
Variant type: single nucleotide variant.
Coding change: c.216+37T>C on transcript NM_005340.7 (MANE Select); 37 bases into the intron after coding-DNA position 216, T replaced by C.
Molecular consequence: intron variant.
Genome position (GRCh38, 1-based): chr5:131,162,535, A>G on the plus strand (T>C on the coding strand, the complement: HINT1 is on the minus strand). VCF-style: chr5-131162535-A-G. GRCh37 (hg19) VCF-style: chr5-130498228-A-G.
Identifiers: ClinVar variation 681720 (VCV000681720.1), dbSNP rs17165688, ClinGen allele CA3398601.
Genomic context (GRCh38, chr5:131,162,535, plus strand): 5'-GACCTTAGGAAGATGAAAATGTGACAGCACTTTAAGGACAAAATTAATCTCACAATTTAA[A>G]AAGCAAGAAAATAAATCATGTTAGAAATGTACTTACACTTTCATCATCATCTTCTGCCAC-3'

ClinVar aggregate classification (germline): Benign (1 of 4 stars; one submission).

Allele frequency attached by ClinVar (database versions not stated): 1000 Genomes Project 0.11861; gnomAD 0.11892 and 0.12630; 1000 Genomes Project 30x 0.12508; TOPMed 0.13314; ESP Exome Variant Server 0.13448.
gnomAD v4.1: 73,093 of 1,607,454 alleles (4.5%); highest among the groups gnomAD compares: African/African-American, 35%; 5,705 homozygotes.

Submission:

GeneDx
Classification: Benign. Last evaluated: 2018-06-16. Review status: criteria provided, single submitter. Criteria: GeneDx Variant Classification (06012015). Collection method: clinical testing. Allele origin: germline. Affected: yes.
Comment: This variant is considered likely benign or benign based on one or more of the following criteria: it is a conservative change, it occurs at a poorly conserved position in the protein, it is predicted to be benign by multiple in silico algorithms, and/or has population frequency not consistent with disease.